The following is an entry in ClinVar:

NM_002087.4(GRN):c.1129A>G (p.Thr377Ala)

Gene: GRN (granulin precursor; plus strand). Cytogenetic location: 17q21.31.
Variant type: single nucleotide variant.
Coding change: c.1129A>G on transcript NM_002087.4 (MANE Select); coding-DNA position 1129, A replaced by G.
Protein change: p.Thr377Ala; replaces threonine 377 with alanine.
Molecular consequence: missense variant.
Genome position (GRCh38, 1-based): chr17:44,351,745, A>G. VCF-style: chr17-44351745-A-G. GRCh37 (hg19) VCF-style: chr17-42429113-A-G.
Other names: p.Thr377Ala; short protein forms T377A.
Identifiers: ClinVar variation 4542181 (VCV004542181.1).

ClinVar aggregate classification (germline): Uncertain significance (1 of 4 stars; one submission).

Submission:

Mayo Clinic Laboratories, Mayo Clinic
Classification: Uncertain significance. Last evaluated: 2025-10-22. Review status: criteria provided, single submitter. Criteria: ACMG Guidelines, 2015. Collection method: clinical testing. Allele origin: germline. Observed: 1 variant allele.
Comment: PP3, PM2_supporting